The following is an entry in ClinVar:

ClinVar aggregate classification (germline): Uncertain significance (1 of 4 stars; one submission).

Allele frequency attached by ClinVar (database versions not stated): TOPMed below 0.00001.
gnomAD v4.1: 1 of 1,612,804 alleles (0.000062%); no homozygotes.

Submission:

Labcorp Genetics (formerly Invitae), Labcorp
Classification: Uncertain significance. Last evaluated: 2022-03-06. Review status: criteria provided, single submitter. Criteria: Invitae Variant Classification Sherloc (09022015). Collection method: clinical testing. Allele origin: germline.
Comment: This sequence change replaces alanine, which is neutral and non-polar, with threonine, which is neutral and polar, at codon 137 of the SLC25A42 protein (p.Ala137Thr). This variant is not present in population databases (gnomAD no frequency). This variant has not been reported in the literature in individuals affected with SLC25A42-related conditions. Algorithms developed to predict the effect of missense changes on protein structure and function are either unavailable or do not agree on the potential impact of this missense change (SIFT: "Tolerated"; PolyPhen-2: "Probably Damaging"; Align-GVGD: "Class C0"). In summary, the available evidence is currently insufficient to determine the role of this variant in disease. Therefore, it has been classified as a Variant of Uncertain Significance.

NM_178526.5(SLC25A42):c.409G>A (p.Ala137Thr)

Gene: SLC25A42 (solute carrier family 25 member 42; plus strand). Cytogenetic location: 19p13.11.
Variant type: single nucleotide variant.
Coding change: c.409G>A on transcript NM_178526.5 (MANE Select); coding-DNA position 409, G replaced by A.
Protein change: p.Ala137Thr; replaces alanine 137 with threonine.
Molecular consequence: missense variant.
Genome position (GRCh38, 1-based): chr19:19,106,297, G>A. VCF-style: chr19-19106297-G-A. GRCh37 (hg19) VCF-style: chr19-19217106-G-A.
Other names: c.409G>A, p.Ala137Thr (NM_001321544.2); short protein forms A137T.
Identifiers: ClinVar variation 1941923 (VCV001941923.2), dbSNP rs2059827406, ClinGen allele CA404893402.